The following is an entry in ClinVar:

NM_000388.4(CASR):c.856C>A (p.Arg286Ser)

Gene: CASR (calcium sensing receptor; plus strand). Cytogenetic location: 3q21.1.
Variant type: single nucleotide variant.
Coding change: c.856C>A on transcript NM_000388.4 (MANE Select); coding-DNA position 856, C replaced by A.
Protein change: p.Arg286Ser; replaces arginine 286 with serine.
Molecular consequence: missense variant.
Genome position (GRCh38, 1-based): chr3:122,261,891, C>A. VCF-style: chr3-122261891-C-A. GRCh37 (hg19) VCF-style: chr3-121980738-C-A.
Other names: c.856C>A, p.Arg286Ser (NM_001178065.2); short protein forms R286S.
Identifiers: ClinVar variation 2011602 (VCV002011602.4), dbSNP rs1060502843, ClinGen allele CA354151497.

ClinVar aggregate classification (germline): Uncertain significance (1 of 4 stars; one submission).

Conditions:
Familial hypocalciuric hypercalcemia (FHH). Also called: Familial benign hypercalcemia. Identifiers: Orphanet 405, MedGen C1809471, MONDO:0018458.
Autosomal dominant hypocalcemia 1 (HYPOC1). Also called: HYPOCALCEMIA, FAMILIAL. Identifiers: MedGen C3715128, MONDO:0011013, OMIM 601198.

Allele frequency attached by ClinVar (database versions not stated): TOPMed below 0.00001.
gnomAD v4.1: 1 of 1,614,194 alleles (0.000062%); no homozygotes.

Submission:

Labcorp Genetics (formerly Invitae), Labcorp
Classification: Uncertain significance for Familial hypocalciuric hypercalcemia; Autosomal dominant hypocalcemia 1. Last evaluated: 2024-05-28. Review status: criteria provided, single submitter. Criteria: Invitae Variant Classification Sherloc (09022015). Collection method: clinical testing. Allele origin: germline.
Comment: This sequence change replaces arginine, which is basic and polar, with serine, which is neutral and polar, at codon 286 of the CASR protein (p.Arg286Ser). This variant is not present in population databases (gnomAD no frequency). This variant has not been reported in the literature in individuals affected with CASR-related conditions. ClinVar contains an entry for this variant (Variation ID: 2011602). An algorithm developed to predict the effect of missense changes on protein structure and function (PolyPhen-2) suggests that this variant is likely to be tolerated. In summary, the available evidence is currently insufficient to determine the role of this variant in disease. Therefore, it has been classified as a Variant of Uncertain Significance.